The following is an entry in ClinVar:

ClinVar aggregate classification (germline): Likely benign. Review status: criteria provided, multiple submitters, no conflicts (2 of 4 stars). 2 submissions from 2 submitters: Likely benign (2). Last evaluated 2026-09-06.

Conditions:
Arrhythmogenic right ventricular cardiomyopathy (ARVD). Also called: Cardiomyopathy, ARVC; Arrhythmogenic right ventricular dysplasia; Arrhythmogenic cardiomyopathy; Arrhythmogenic Right Ventricular Cardiomyopathy (ARVC). Identifiers: Orphanet 247, MedGen C0349788, MeSH D019571, MONDO:0016587. Disease mechanism: loss of function. Inheritance: Various modes of inheritance.
Cardiovascular phenotype. Identifiers: MedGen CN230736.

Submissions (2):

Ambry Genetics
Classification: Likely benign for Cardiovascular phenotype. Last evaluated: 2026-09-06. Review status: criteria provided, single submitter. Criteria: Ambry Variant Classification Scheme 2023. Collection method: clinical testing. Allele origin: germline.

All of Us Research Program, National Institutes of Health
Classification: Likely benign for Arrhythmogenic right ventricular cardiomyopathy. Last evaluated: 2023-11-02. Review status: criteria provided, single submitter. Criteria: ACMG Guidelines, 2015. Collection method: clinical testing. Allele origin: germline. Inheritance: Autosomal dominant inheritance. Observed: 1 variant allele, 1 heterozygote.
Comment: This study involves interpretation of variants in research participants for the purpose of population health screening. Participant phenotype was not available at the time of variant classification. Additional details can be found in publication PMID: 35346344, PMCID: PMC8962531

NM_001005242.3(PKP2):c.1833A>G (p.Val611=)

Gene: PKP2 (plakophilin 2; minus strand). Cytogenetic location: 12p11.21.
Variant type: single nucleotide variant.
Coding change: c.1833A>G on transcript NM_001005242.3 (MANE Select); coding-DNA position 1833, A replaced by G.
Protein change: p.Val611=; no amino-acid change (valine 611 retained).
Molecular consequence: synonymous variant. On other transcripts: intron variant (1).
Genome position (GRCh38, 1-based): chr12:32,822,473, T>C on the plus strand (A>G on the coding strand, the complement: PKP2 is on the minus strand). VCF-style: chr12-32822473-T-C. GRCh37 (hg19) VCF-style: chr12-32975407-T-C.
Other names: c.1833A>G, p.Val611= (NM_001407155.1, NM_001407161.1); c.1965A>G, p.Val655= (NM_001407157.1, NM_004572.4); c.1506A>G, p.Val502= (NM_001407158.1, NM_001407159.1, NM_001407160.1 and 1 more transcripts); c.1675-944A>G (NM_001407156.1).
Identifiers: ClinVar variation 3074212 (VCV003074212.2), dbSNP rs2541231436, ClinGen allele CA479176230.